The following is an entry in ClinVar:

ClinVar aggregate classification (germline): Uncertain significance (1 of 4 stars; one submission).

Allele frequency attached by ClinVar (database versions not stated): gnomAD exomes below 0.00001.
gnomAD v4.1: 4 of 1,551,740 alleles (0.00026%); highest among the groups gnomAD compares: Non-Finnish European, 0.00035%; no homozygotes.

Submission:

GeneDx
Classification: Uncertain significance. Last evaluated: 2017-09-21. Review status: criteria provided, single submitter. Criteria: GeneDx Variant Classification (06012015). Collection method: clinical testing. Allele origin: germline. Affected: yes.
Comment: The E152X variant in the SHANK2 gene has not been reported previously as a pathogenic variant nor as a benign variant, to our knowledge. The E152X variant is not observed in large population cohorts (Lek et al., 2016; 1000 Genomes Consortium et al., 2015; Exome Variant Server). This variant is predicted to cause loss of normal protein function either through protein truncation or nonsense-mediated mRNA decay. However, loss-of-function is not a well known mechanism of disease for the SHANK2 gene.

NM_012309.5(SHANK2):c.454G>T (p.Glu152Ter)

Gene: SHANK2 (SH3 and multiple ankyrin repeat domains 2; minus strand). Cytogenetic location: 11q13.4.
Variant type: single nucleotide variant.
Coding change: c.454G>T on transcript NM_012309.5 (MANE Select); coding-DNA position 454, G replaced by T.
Protein change: p.Glu152Ter; replaces glutamic acid 152 with a stop codon.
Molecular consequence: nonsense.
Genome position (GRCh38, 1-based): chr11:71,113,322, C>A on the plus strand (G>T on the coding strand, the complement: SHANK2 is on the minus strand). VCF-style: chr11-71113322-C-A. GRCh37 (hg19) VCF-style: chr11-70824368-C-A.
Other names: short protein forms E152*.
Identifiers: ClinVar variation 452166 (VCV000452166.2), dbSNP rs1555099768, ClinGen allele CA381961927.